The following is an entry in ClinVar:

ClinVar aggregate classification (germline): Likely pathogenic (1 of 4 stars; one submission).

Conditions:
Smith-Lemli-Opitz syndrome (SLOS). Also called: LETHAL ACRODYSGENITAL SYNDROME; POLYDACTYLY, SEX REVERSAL, RENAL HYPOPLASIA, AND UNILOBAR LUNG; RSH SYNDROME; RUTLEDGE LETHAL MULTIPLE CONGENITAL ANOMALY SYNDROME; 7-Dehydrocholesterol reductase deficiency. Identifiers: Orphanet 818, MedGen C0175694, MONDO:0010035, OMIM 270400.

Submission:

Labcorp Genetics (formerly Invitae), Labcorp
Classification: Likely pathogenic for Smith-Lemli-Opitz syndrome. Last evaluated: 2024-04-10. Review status: criteria provided, single submitter. Criteria: Invitae Variant Classification Sherloc (09022015). Collection method: clinical testing. Allele origin: germline.
Comment: This sequence change affects a donor splice site in intron 3 of the DHCR7 gene. It is expected to disrupt RNA splicing. Variants that disrupt the donor or acceptor splice site typically lead to a loss of protein function (PMID: 16199547), and loss-of-function variants in DHCR7 are known to be pathogenic (PMID: 9634533, 10677299). This variant is not present in population databases (gnomAD no frequency). This variant has not been reported in the literature in individuals affected with DHCR7-related conditions. Algorithms developed to predict the effect of sequence changes on RNA splicing suggest that this variant may disrupt the consensus splice site. In summary, the currently available evidence indicates that the variant is pathogenic, but additional data are needed to prove that conclusively. Therefore, this variant has been classified as Likely Pathogenic.

Literature cited by the submitters: PubMed 16199547; PubMed 9634533; PubMed 10677299.

NM_001360.3(DHCR7):c.98+2T>C

Gene: DHCR7 (7-dehydrocholesterol reductase; minus strand). Cytogenetic location: 11q13.4.
Variant type: single nucleotide variant.
Coding change: c.98+2T>C on transcript NM_001360.3 (MANE Select); the canonical splice donor site of the intron after coding-DNA position 98, T replaced by C.
Molecular consequence: splice donor variant.
Genome position (GRCh38, 1-based): chr11:71,444,853, A>G on the plus strand (T>C on the coding strand, the complement: DHCR7 is on the minus strand). VCF-style: chr11-71444853-A-G. GRCh37 (hg19) VCF-style: chr11-71155899-A-G.
Other names: c.98+2T>C (NM_001425120.1, NM_001425109.1, NM_001163817.2 and 11 more transcripts); c.-148+2T>C (NM_001425117.1).
Identifiers: ClinVar variation 3649433 (VCV003649433.2).